The following is an entry in ClinVar:

ClinVar aggregate classification (germline): Uncertain significance (1 of 4 stars; one submission).

Conditions:
Hereditary cancer-predisposing syndrome. Also called: Hereditary neoplastic syndrome; Hereditary Cancer Syndrome; Neoplastic Syndromes, Hereditary; Tumor predisposition. Identifiers: Orphanet 140162, MedGen C0027672, MeSH D009386, MONDO:0015356.

Submission:

Labcorp Genetics (formerly Invitae), Labcorp
Classification: Uncertain significance for Hereditary cancer-predisposing syndrome. Last evaluated: 2023-11-01. Review status: criteria provided, single submitter. Criteria: Invitae Variant Classification Sherloc (09022015). Collection method: clinical testing. Allele origin: germline.
Comment: This sequence change replaces threonine, which is neutral and polar, with arginine, which is basic and polar, at codon 198 of the RAD50 protein (p.Thr198Arg). This variant is not present in population databases (gnomAD no frequency). This variant has not been reported in the literature in individuals affected with RAD50-related conditions. Advanced modeling of protein sequence and biophysical properties (such as structural, functional, and spatial information, amino acid conservation, physicochemical variation, residue mobility, and thermodynamic stability) performed at Invitae indicates that this missense variant is not expected to disrupt RAD50 protein function with a negative predictive value of 80%. In summary, the available evidence is currently insufficient to determine the role of this variant in disease. Therefore, it has been classified as a Variant of Uncertain Significance.

NM_005732.4(RAD50):c.593C>G (p.Thr198Arg)

Gene: RAD50 (RAD50 double strand break repair protein; plus strand). Cytogenetic location: 5q31.1.
Variant type: single nucleotide variant.
Coding change: c.593C>G on transcript NM_005732.4 (MANE Select); coding-DNA position 593, C replaced by G.
Protein change: p.Thr198Arg; replaces threonine 198 with arginine.
Molecular consequence: missense variant.
Genome position (GRCh38, 1-based): chr5:132,579,903, C>G. VCF-style: chr5-132579903-C-G. GRCh37 (hg19) VCF-style: chr5-131915595-C-G.
Other names: short protein forms T198R.
Identifiers: ClinVar variation 2773165 (VCV002773165.3), dbSNP rs2149837951, ClinGen allele CA360935710.